The following is an entry in ClinVar:

NM_000077.5(CDKN2A):c.23G>C (p.Ser8Thr)

Gene: CDKN2A (cyclin dependent kinase inhibitor 2A; minus strand). Cytogenetic location: 9p21.3.
Variant type: single nucleotide variant.
Coding change: c.23G>C on transcript NM_000077.5; coding-DNA position 23, G replaced by C.
Protein change: p.Ser8Thr; replaces serine 8 with threonine.
Molecular consequence: missense variant (on NM_000077.6). On other transcripts: intron variant (2).
Genome position (GRCh38, 1-based): chr9:21,974,805, C>G on the plus strand (G>C on the coding strand, the complement: CDKN2A is on the minus strand). VCF-style: chr9-21974805-C-G. GRCh37 (hg19) VCF-style: chr9-21974804-C-G.
Other names: c.23G>C, p.Ser8Thr (NM_000077.6, NM_001195132.2, NM_058197.5); c.-3-3597G>C (NM_001363763.2); c.194-3597G>C (NM_058195.4); short protein forms S8T.
Identifiers: ClinVar variation 532290 (VCV000532290.8), dbSNP rs1554656656, ClinGen allele CA373086700.

ClinVar aggregate classification (germline): Uncertain significance (1 of 4 stars; one submission).

Conditions:
Familial melanoma. Also called: Hereditary melanoma; Hereditary cutaneous melanoma. Identifiers: Orphanet 618, MedGen C1512419, MONDO:0018961.

Submission:

Labcorp Genetics (formerly Invitae), Labcorp
Classification: Uncertain significance for Familial melanoma. Last evaluated: 2017-11-12. Review status: criteria provided, single submitter. Criteria: Invitae Variant Classification Sherloc (09022015). Collection method: clinical testing. Allele origin: germline.
Comment: In summary, the available evidence is currently insufficient to determine the role of this variant in disease. Therefore, it has been classified as a Variant of Uncertain Significance. Algorithms developed to predict the effect of missense changes on protein structure and function (SIFT, PolyPhen-2, Align-GVGD) all suggest that this variant is likely to be tolerated, but these predictions have not been confirmed by published functional studies and their clinical significance is uncertain. This variant has not been reported in the literature in individuals with CDKN2A (p16INK4a)-related disease. This variant is not present in population databases (ExAC no frequency). This sequence change replaces serine with threonine at codon 8 of the CDKN2A (p16INK4a) protein (p.Ser8Thr). The serine residue is weakly conserved and there is a small physicochemical difference between serine and threonine.